The following is an entry in ClinVar:

ClinVar aggregate classification (germline): Pathogenic (1 of 4 stars; one submission).

Conditions:
Mucopolysaccharidosis, MPS-II (MPS2). Also called: Hunter Syndrome; IDURONATE 2-SULFATASE DEFICIENCY; Mucopolysaccharidosis Type II; Mucopolysaccharidosis type 2; Attenuated MPS (subtype; formerly known as mild MPS II); Severe MPS II. Identifiers: Orphanet 580, Orphanet 79388, MedGen C0026705, MONDO:0010674, OMIM 309900.

Submission:

Laboratory of Diagnosis and Therapy of Lysosomal Disorders, University of Padova
Classification: Pathogenic for Mucopolysaccharidosis, MPS-II. Last evaluated: 2024-06-07. Review status: criteria provided, single submitter. Criteria: ACMG Guidelines, 2015. Collection method: literature only. Allele origin: germline. Affected: yes. Observed: 2 variant alleles.
Comment: Null variant (PVS1_VeryStrong), Absent from controls (or at low frequency) in gnomAD database (PM2_Moderate), Patient’s phenotype or family history highly specific for the disease (PP4_Moderate)

Classification method: ACMG Guidelines [PMID:25741868] with modifications

Literature cited by the submitters: PubMed 12655569; PubMed 21291454; PubMed 9875019.

NM_000202.8(IDS):c.500del (p.Asn167fs)

Genes: IDS (iduronate 2-sulfatase; minus strand), LOC106050102 (IDS recombination region; plus strand). Cytogenetic location: Xq28.
Variant type: Deletion.
Coding change: c.500del on transcript NM_000202.8 (MANE Select); coding-DNA position 500, one base deleted (A; older notation c.500delA).
Protein change: p.Asn167fs; shifts the reading frame from asparagine 167.
Molecular consequence: frameshift variant. On other transcripts: non-coding transcript variant (1).
Genome position (GRCh38, 1-based): chrX:149,500,956, T deleted on the plus strand (A on the coding strand, the reverse complement: IDS is on the minus strand); the first of 4 consecutive T bases (chrX:149,500,956-149,500,959); deleting any one gives the same sequence. VCF-style (leftmost placement, unchanged base first): chrX-149500955-GT-G. GRCh37 (hg19) VCF-style: chrX-148582486-GT-G.
Other names: c.230del, p.Asn77fs (NM_001166550.4); c.500del, p.Asn167fs (NM_006123.5); short protein forms N167fs, N77fs.
Identifiers: ClinVar variation 3255755 (VCV003255755.2).
Genomic context (GRCh38, chrX:149,500,955, plus strand): 5'-TGTGACAAAGGAAAAAGTGGTTCCTCTTCAGAAATGTCCCTTTCACAGCCTTACCTTAGT[GT>G]TTTCATACTTCTCAGAGGAAGGATGATAAGGTGGAAAAGACCAGCTATACGGAGAATCAT-3'